The following is an entry in ClinVar:

NM_033087.4(ALG2):c.132del (p.Cys45fs)

Gene: ALG2 (ALG2 alpha-1,3/1,6-mannosyltransferase; minus strand). Cytogenetic location: 9q22.33.
Variant type: Deletion.
Coding change: c.132del on transcript NM_033087.4 (MANE Select); coding-DNA position 132, one base deleted (G; older notation c.132delG).
Protein change: p.Cys45fs; shifts the reading frame from cysteine 45.
Molecular consequence: frameshift variant. On other transcripts: non-coding transcript variant (1).
Genome position (GRCh38, 1-based): chr9:99,221,763, C deleted on the plus strand (G on the coding strand, the reverse complement: ALG2 is on the minus strand); the first of 3 consecutive C bases (chr9:99,221,763-99,221,765); deleting any one gives the same sequence. VCF-style (leftmost placement, unchanged base first): chr9-99221762-AC-A. GRCh37 (hg19) VCF-style: chr9-101984044-AC-A.
Other names: short protein forms C45fs.
Identifiers: ClinVar variation 1999036 (VCV001999036.4), dbSNP rs2490392043, ClinGen allele CA2580080853.

ClinVar aggregate classification (germline): Uncertain significance (1 of 4 stars; one submission).

Conditions:
Congenital disorder of glycosylation, type Ii. Also called: CDG Ii; ALG2-CDG; ALG2-congenital disorder of glycosylation. Identifiers: Orphanet 79326, MedGen C1842836, MONDO:0011933, OMIM 607906.
Congenital myasthenic syndrome 14. Also called: Myasthenic syndrome, congenital, 14, with tubular aggregates. Identifiers: Orphanet 353327, Orphanet 590, MedGen C4015597, MONDO:0014543, OMIM 616228.

Submission:

Labcorp Genetics (formerly Invitae), Labcorp
Classification: Uncertain significance for Congenital disorder of glycosylation, type Ii; Congenital myasthenic syndrome 14. Last evaluated: 2022-05-25. Review status: criteria provided, single submitter. Criteria: Invitae Variant Classification Sherloc (09022015). Collection method: clinical testing. Allele origin: germline.
Comment: This sequence change creates a premature translational stop signal (p.Cys45Valfs*3) in the ALG2 gene. It is expected to result in an absent or disrupted protein product. However, the current clinical and genetic evidence is not sufficient to establish whether loss-of-function variants in ALG2 cause disease. This variant is not present in population databases (gnomAD no frequency). This variant has not been reported in the literature in individuals affected with ALG2-related conditions. In summary, the available evidence is currently insufficient to determine the role of this variant in disease. Therefore, it has been classified as a Variant of Uncertain Significance.